The following is an entry in ClinVar:

ClinVar aggregate classification (germline): Uncertain significance (1 of 4 stars; one submission).

Submission:

Labcorp Genetics (formerly Invitae), Labcorp
Classification: Uncertain significance. Last evaluated: 2022-06-27. Review status: criteria provided, single submitter. Criteria: Invitae Variant Classification Sherloc (09022015). Collection method: clinical testing. Allele origin: germline.
Comment: In summary, the available evidence is currently insufficient to determine the role of this variant in disease. Therefore, it has been classified as a Variant of Uncertain Significance. Algorithms developed to predict the effect of missense changes on protein structure and function are either unavailable or do not agree on the potential impact of this missense change (SIFT: "Deleterious"; PolyPhen-2: "Possibly Damaging"; Align-GVGD: "Class C0"). This variant has not been reported in the literature in individuals affected with CAPN1-related conditions. This variant is not present in population databases (gnomAD no frequency). This sequence change replaces glycine, which is neutral and non-polar, with cysteine, which is neutral and slightly polar, at codon 208 of the CAPN1 protein (p.Gly208Cys).

NM_005186.4(CAPN1):c.622G>T (p.Gly208Cys)

Gene: CAPN1 (calpain 1; plus strand). Cytogenetic location: 11q13.1.
Variant type: single nucleotide variant.
Coding change: c.622G>T on transcript NM_005186.4 (MANE Select); coding-DNA position 622, G replaced by T.
Protein change: p.Gly208Cys; replaces glycine 208 with cysteine.
Molecular consequence: missense variant. On other transcripts: non-coding transcript variant (1).
Genome position (GRCh38, 1-based): chr11:65,186,201, G>T. VCF-style: chr11-65186201-G-T. GRCh37 (hg19) VCF-style: chr11-64953672-G-T.
Other names: c.622G>T, p.Gly208Cys (NM_001198868.2, NM_001198869.2); short protein forms G208C.
Identifiers: ClinVar variation 1484696 (VCV001484696.8), dbSNP rs2137318478, ClinGen allele CA381243964.